The following is an entry in ClinVar:

ClinVar aggregate classification (germline): Uncertain significance. Review status: criteria provided, multiple submitters, no conflicts (2 of 4 stars). 2 submissions from 2 submitters: Uncertain significance (2). Last evaluated 2025-02-24.

Conditions:
Inborn genetic diseases. Identifiers: MedGen C0950123, MeSH D030342.

Allele frequency attached by ClinVar (database versions not stated): TOPMed 0.00009; gnomAD 0.00010; gnomAD exomes 0.00010 and 0.00014; ExAC 0.00011; ESP Exome Variant Server 0.00008.
gnomAD v4.1: 207 of 1,613,968 alleles (0.013%); highest among the groups gnomAD compares: Non-Finnish European, 0.017%; no homozygotes.

Submissions (2):

Ambry Genetics
Classification: Uncertain significance for Inborn genetic diseases. Last evaluated: 2025-02-24. Review status: criteria provided, single submitter. Criteria: Ambry Variant Classification Scheme 2023. Collection method: clinical testing. Allele origin: germline.

Labcorp Genetics (formerly Invitae), Labcorp
Classification: Uncertain significance. Last evaluated: 2024-10-23. Review status: criteria provided, single submitter. Criteria: Invitae Variant Classification Sherloc (09022015). Collection method: clinical testing. Allele origin: germline.
Comment: This sequence change replaces alanine, which is neutral and non-polar, with valine, which is neutral and non-polar, at codon 64 of the ARMC9 protein (p.Ala64Val). This variant is present in population databases (rs368431189, gnomAD 0.02%). This variant has not been reported in the literature in individuals affected with ARMC9-related conditions. ClinVar contains an entry for this variant (Variation ID: 961349). Experimental studies and prediction algorithms are not available or were not evaluated, and the functional significance of this variant is currently unknown. In summary, the available evidence is currently insufficient to determine the role of this variant in disease. Therefore, it has been classified as a Variant of Uncertain Significance.

NM_001352754.2(ARMC9):c.191C>T (p.Ala64Val)

Gene: ARMC9 (armadillo repeat containing 9; plus strand). Cytogenetic location: 2q37.1.
Variant type: single nucleotide variant.
Coding change: c.191C>T on transcript NM_001352754.2 (MANE Select); coding-DNA position 191, C replaced by T.
Protein change: p.Ala64Val; replaces alanine 64 with valine.
Molecular consequence: missense variant. On other transcripts: non-coding transcript variant (1).
Genome position (GRCh38, 1-based): chr2:231,214,844, C>T. VCF-style: chr2-231214844-C-T. GRCh37 (hg19) VCF-style: chr2-232079557-C-T.
Other names: c.191C>T, p.Ala64Val (NM_001352755.2, NM_001352756.2, NM_001352757.2 and 5 more transcripts); c.191C>T (NM_025139.3); short protein forms A64V.
Identifiers: ClinVar variation 961349 (VCV000961349.6), dbSNP rs368431189, ClinGen allele CA2159873.